The following is an entry in ClinVar:

NM_000142.5(FGFR3):c.1663G>A (p.Val555Met)

Gene: FGFR3 (fibroblast growth factor receptor 3; plus strand). Cytogenetic location: 4p16.3.
Variant type: single nucleotide variant.
Coding change: c.1663G>A on transcript NM_000142.5 (MANE Select); coding-DNA position 1663, G replaced by A.
Protein change: p.Val555Met; replaces valine 555 with methionine.
Molecular consequence: missense variant. On other transcripts: non-coding transcript variant (1).
Genome position (GRCh38, 1-based): chr4:1,805,767, G>A. VCF-style: chr4-1805767-G-A. GRCh37 (hg19) VCF-style: chr4-1807494-G-A.
Other names: c.1669G>A, p.Val557Met (NM_001163213.2); c.1666G>A, p.Val556Met (NM_001354809.2, NM_001354810.2); c.1327G>A, p.Val443Met (NM_022965.4); short protein forms V555M, V557M, V443M, V556M.
Identifiers: ClinVar variation 2203501 (VCV002203501.5), dbSNP rs1474187970, ClinGen allele CA355981674.

ClinVar aggregate classification (germline): Uncertain significance. Review status: criteria provided, multiple submitters, no conflicts (2 of 4 stars). 2 submissions from 2 submitters: Uncertain significance (2). Last evaluated 2026-06-23.

Conditions:
FGFR3-related chondrodysplasia. Identifiers: Orphanet 93420, MedGen C5681604, MONDO:0019685.

Allele frequency attached by ClinVar (database versions not stated): gnomAD 0.00001.

Submissions (2):

Genomenon, Inc
Classification: Uncertain significance for FGFR3-related chondrodysplasia. Last evaluated: 2026-06-23. Review status: criteria provided, single submitter. Criteria: Genomenon Sequence Variant Interpretation Standards - Updated. Collection method: curation. Allele origin: germline. Affected: no.
Comment: FGFR3 p.Val555Met (c.1663G>A) is a missense variant that changes the amino acid at codon 555 from Valine to Methionine. This variant has been reported in the published literature (PMID:23573386;30143558). At least one functional study has demonstrated a substantial alteration in protein function relative to the wild-type (PMID:26097890). It is absent or not present at a significant frequency in gnomAD. In silico models predict that this variant is possibly or probably damaging. In conclusion, we classify FGFR3 p.Val555Met (c.1663G>A) as a variant of uncertain significance.

Labcorp Genetics (formerly Invitae), Labcorp
Classification: Uncertain significance. Last evaluated: 2025-02-23. Review status: criteria provided, single submitter. Criteria: Invitae Variant Classification Sherloc (09022015). Collection method: clinical testing. Allele origin: germline.
Comment: This sequence change replaces valine, which is neutral and non-polar, with methionine, which is neutral and non-polar, at codon 555 of the FGFR3 protein (p.Val555Met). This variant is present in population databases (no rsID available, gnomAD 0.007%). This missense change has been observed in individual(s) with FGFR3-related conditions (PMID: 23573386, 30143558). ClinVar contains an entry for this variant (Variation ID: 2203501). Invitae Evidence Modeling of protein sequence and biophysical properties (such as structural, functional, and spatial information, amino acid conservation, physicochemical variation, residue mobility, and thermodynamic stability) has been performed for this missense variant. However, the output from this modeling did not meet the statistical confidence thresholds required to predict the impact of this variant on FGFR3 protein function. Experimental studies have shown that this missense change affects FGFR3 function (PMID: 26992226). In summary, the available evidence is currently insufficient to determine the role of this variant in disease. Therefore, it has been classified as a Variant of Uncertain Significance.

Literature cited by the submitters: PubMed 38437671 (cited by Genomenon, Inc); PubMed 36698015 (cited by Genomenon, Inc); PubMed 36697561 (cited by Genomenon, Inc); PubMed 26992226 (cited by Genomenon, Inc and Labcorp Genetics (formerly Invitae), Labcorp); PubMed 22869148 (cited by Genomenon, Inc); PubMed 26097890 (cited by Genomenon, Inc); PubMed 30143558 (cited by Genomenon, Inc and Labcorp Genetics (formerly Invitae), Labcorp); PubMed 23573386 (cited by Genomenon, Inc and Labcorp Genetics (formerly Invitae), Labcorp); PubMed 41062690 (cited by Genomenon, Inc); PubMed 38909834 (cited by Genomenon, Inc); PubMed 37269435 (cited by Genomenon, Inc); PubMed 28303906 (cited by Genomenon, Inc); PubMed 29540482 (cited by Genomenon, Inc); PubMed 28166054 (cited by Genomenon, Inc); PubMed 27109926 (cited by Genomenon, Inc); PubMed 25183305 (cited by Genomenon, Inc); PubMed 23908597 (cited by Genomenon, Inc).